The following is an entry in ClinVar:

ClinVar aggregate classification (germline): Likely pathogenic. Review status: criteria provided, single submitter (1 of 4 stars). 2 submissions from 2 submitters: Likely pathogenic (1). 1 of the submissions does not count toward it. Last evaluated 2026-04-01.

Conditions:
Glycogen storage disease type III (GSD3). Also called: FORBES DISEASE; Cori disease. Identifiers: Orphanet 366, MedGen C0017922, MONDO:0009291, OMIM 232400.

Submissions (2):

Department of Genetics, Sultan Qaboos University Hospital
Classification: Likely pathogenic for Glycogen storage disease type III. Last evaluated: 2026-04-01. Review status: criteria provided, single submitter. Criteria: ACMG Guidelines, 2015. Collection method: clinical testing. Allele origin: germline. Affected: yes. Observed: 1 variant allele.
Comment: PM2_Supporting,PP1_Strong,PP4_Supporting

Bioscientia Institut fuer Medizinische Diagnostik GmbH, Sonic Healthcare
Classification: Likely pathogenic for Glycogen storage disease type III. Review status: no assertion criteria provided. Collection method: clinical testing. Allele origin: germline. Affected: yes. Not counted in ClinVar's aggregate classification.

NM_000642.3(AGL):c.772T>C (p.Ser258Pro)

Gene: AGL (amylo-alpha-1,6-glucosidase and 4-alpha-glucanotransferase; plus strand). Cytogenetic location: 1p21.2.
Variant type: single nucleotide variant.
Coding change: c.772T>C on transcript NM_000642.3 (MANE Select); coding-DNA position 772, T replaced by C.
Protein change: p.Ser258Pro; replaces serine 258 with proline.
Molecular consequence: missense variant.
Genome position (GRCh38, 1-based): chr1:99,870,507, T>C. VCF-style: chr1-99870507-T-C. GRCh37 (hg19) VCF-style: chr1-100336063-T-C.
Other names: c.772T>C, p.Ser258Pro (NM_000028.3, NM_000643.3, NM_000644.3 and 3 more transcripts); c.724T>C, p.Ser242Pro (NM_000646.3); c.568T>C, p.Ser190Pro (NM_001425328.1, NM_001425329.1); c.394T>C, p.Ser132Pro (NM_001425332.1); short protein forms S258P, S242P, S132P, S190P.
Identifiers: ClinVar variation 265986 (VCV000265986.4), dbSNP rs886039873, ClinGen allele CA10588921.
Genomic context (GRCh38, chr1:99,870,507, plus strand): 5'-CTTGTGAATTCTCCACACTTAAAACCTGCCTGGGTCTTAGACAGAGCACTTTGGCGTTTC[T>C]CCTGTGATGTTGCAGAAGGGAAATACAAAGAAAAGGGAATACCTGCTTTGATTGAAAATG-3'
Protein context (NP_000633.2, residues 248-268): WVLDRALWRF[Ser258Pro]CDVAEGKYKE